The following is an entry in ClinVar:

NM_014915.3(ANKRD26):c.682A>C (p.Lys228Gln)

Gene: ANKRD26 (ankyrin repeat domain containing 26; minus strand). Cytogenetic location: 10p12.1.
Variant type: single nucleotide variant.
Coding change: c.682A>C on transcript NM_014915.3 (MANE Select); coding-DNA position 682, A replaced by C.
Protein change: p.Lys228Gln; replaces lysine 228 with glutamine.
Molecular consequence: missense variant.
Genome position (GRCh38, 1-based): chr10:27,086,566, T>G on the plus strand (A>C on the coding strand, the complement: ANKRD26 is on the minus strand). VCF-style: chr10-27086566-T-G. GRCh37 (hg19) VCF-style: chr10-27375495-T-G.
Other names: c.682A>C, p.Lys228Gln (NM_001256053.2); short protein forms K228Q.
Identifiers: ClinVar variation 1313229 (VCV001313229.3), dbSNP rs1224926596, ClinGen allele CA376366032.

ClinVar aggregate classification (germline): Uncertain significance. Review status: criteria provided, multiple submitters, no conflicts (2 of 4 stars). 2 submissions from 2 submitters: Uncertain significance (2). Last evaluated 2025-02-22.

Conditions:
Inborn genetic diseases. Identifiers: MedGen C0950123, MeSH D030342.

gnomAD v4.1: 2 of 1,605,778 alleles (0.00012%); highest among the groups gnomAD compares: African/African-American, 0.0013%; no homozygotes.

Submissions (2):

Ambry Genetics
Classification: Uncertain significance for Inborn genetic diseases. Last evaluated: 2025-02-22. Review status: criteria provided, single submitter. Criteria: Ambry Variant Classification Scheme 2023. Collection method: clinical testing. Allele origin: germline.
Comment: The p.K228Q variant (also known as c.682A>C), located in coding exon 5 of the ANKRD26 gene, results from an A to C substitution at nucleotide position 682. The lysine at codon 228 is replaced by glutamine, an amino acid with similar properties. This amino acid position is conserved. In addition, this alteration is predicted to be tolerated by in silico analysis. Based on the available evidence, the clinical significance of this variant remains unclear.

GeneDx
Classification: Uncertain significance. Last evaluated: 2020-10-13. Review status: criteria provided, single submitter. Criteria: GeneDx Variant Classification Process June 2021. Collection method: clinical testing. Allele origin: germline. Affected: yes.
Comment: Has not been previously published as pathogenic or benign to our knowledge; Not observed at a significant frequency in large population cohorts (Lek et al., 2016); In silico analysis supports that this missense variant does not alter protein structure/function